The following is an entry in ClinVar:

NM_000428.3(LTBP2):c.3584G>C (p.Ser1195Thr)

Gene: LTBP2 (latent transforming growth factor beta binding protein 2; minus strand). Cytogenetic location: 14q24.3.
Variant type: single nucleotide variant.
Coding change: c.3584G>C on transcript NM_000428.3 (MANE Select); coding-DNA position 3584, G replaced by C.
Protein change: p.Ser1195Thr; replaces serine 1195 with threonine.
Molecular consequence: missense variant.
Genome position (GRCh38, 1-based): chr14:74,508,672, C>G on the plus strand (G>C on the coding strand, the complement: LTBP2 is on the minus strand). VCF-style: chr14-74508672-C-G. GRCh37 (hg19) VCF-style: chr14-74975375-C-G.
Other names: short protein forms S1195T.
Identifiers: ClinVar variation 1999656 (VCV001999656.4), dbSNP rs2506136276, ClinGen allele CA390388095.

ClinVar aggregate classification (germline): Uncertain significance (1 of 4 stars; one submission).

Submission:

Labcorp Genetics (formerly Invitae), Labcorp
Classification: Uncertain significance. Last evaluated: 2022-05-27. Review status: criteria provided, single submitter. Criteria: Invitae Variant Classification Sherloc (09022015). Collection method: clinical testing. Allele origin: germline.
Comment: In summary, the available evidence is currently insufficient to determine the role of this variant in disease. Therefore, it has been classified as a Variant of Uncertain Significance. Algorithms developed to predict the effect of missense changes on protein structure and function output the following: SIFT: "Deleterious"; PolyPhen-2: "Benign"; Align-GVGD: "Class C55". The threonine amino acid residue is found in multiple mammalian species, which suggests that this missense change does not adversely affect protein function. This variant has not been reported in the literature in individuals affected with LTBP2-related conditions. This variant is not present in population databases (gnomAD no frequency). This sequence change replaces serine, which is neutral and polar, with threonine, which is neutral and polar, at codon 1195 of the LTBP2 protein (p.Ser1195Thr).